The following is an entry in ClinVar:

NM_020442.6(VARS2):c.614G>C (p.Arg205Thr)

Gene: VARS2 (valyl-tRNA synthetase 2, mitochondrial; plus strand). Cytogenetic location: 6p21.33.
Variant type: single nucleotide variant.
Coding change: c.614G>C on transcript NM_020442.6 (MANE Select); coding-DNA position 614, G replaced by C.
Protein change: p.Arg205Thr; replaces arginine 205 with threonine.
Molecular consequence: missense variant.
Genome position (GRCh38, 1-based): chr6:30,916,192, G>C. VCF-style: chr6-30916192-G-C. GRCh37 (hg19) VCF-style: chr6-30883969-G-C.
Other names: c.194G>C, p.Arg65Thr (NM_001167733.3); c.704G>C, p.Arg235Thr (NM_001167734.2); short protein forms R65T, R205T, R235T.
Identifiers: ClinVar variation 1397634 (VCV001397634.6), dbSNP rs147382026, ClinGen allele CA3705668.
Genomic context (GRCh38, chr6:30,916,192, plus strand): 5'-TGCCCTGAATCCAACTGCAGGCTGTGGTGGAGAAACAACTGTGGAAGGAACGGGGAGTGA[G>C]GAGACATGAGCTGAGCCGGGAGGCCTTCCTTAGGGAGGTGTGGCAGTGGAAGGAGGCGTG-3'
Protein context (NP_065175.4, residues 195-215): EKQLWKERGV[Arg205Thr]RHELSREAFL

ClinVar aggregate classification (germline): Uncertain significance. Review status: criteria provided, multiple submitters, no conflicts (2 of 4 stars). 2 submissions from 2 submitters: Uncertain significance (2). Last evaluated 2021-12-02.

Allele frequency attached by ClinVar (database versions not stated): ESP Exome Variant Server 0.00008.

Submissions (2):

Labcorp Genetics (formerly Invitae), Labcorp
Classification: Uncertain significance. Last evaluated: 2021-12-02. Review status: criteria provided, single submitter. Criteria: Invitae Variant Classification Sherloc (09022015). Collection method: clinical testing. Allele origin: germline.
Comment: This sequence change replaces arginine, which is basic and polar, with threonine, which is neutral and polar, at codon 235 of the VARS2 protein (p.Arg235Thr). This variant is present in population databases (rs147382026, gnomAD 0.01%). This variant has not been reported in the literature in individuals affected with VARS2-related conditions. Algorithms developed to predict the effect of missense changes on protein structure and function (SIFT, PolyPhen-2, Align-GVGD) all suggest that this variant is likely to be tolerated. In summary, the available evidence is currently insufficient to determine the role of this variant in disease. Therefore, it has been classified as a Variant of Uncertain Significance.

Breakthrough Genomics
Classification: Uncertain significance. Review status: criteria provided, single submitter. Criteria: ACMG Guidelines, 2015. Collection method: not provided. Allele origin: germline. Inheritance: Autosomal recessive inheritance. Affected: yes.